The following is an entry in ClinVar:

NM_000059.4(BRCA2):c.4877dup (p.Asn1626fs)

Gene: BRCA2 (BRCA2 DNA repair associated; plus strand). Cytogenetic location: 13q13.1.
Variant type: Duplication.
Coding change: c.4877dup on transcript NM_000059.4 (MANE Select); coding-DNA position 4877, one base duplicated (A; older notation c.4877dupA).
Protein change: p.Asn1626fs; shifts the reading frame from asparagine 1626.
Molecular consequence: frameshift variant.
Genome position (GRCh38, 1-based): chr13:32,339,232, A duplicated; the last of 4 consecutive A bases (chr13:32,339,229-32,339,232); duplicating any one gives the same sequence. VCF-style (leftmost placement, unchanged base first): chr13-32339228-G-GA. GRCh37 (hg19) VCF-style: chr13-32913365-G-GA.
Other names: c.4877dupA (NM_000059.3); c.4877dup (NM_000059.3); short protein forms N1626fs.
Identifiers: ClinVar variation 409426 (VCV000409426.13), dbSNP rs80359470, ClinGen allele CA16614152.

ClinVar aggregate classification (germline): Pathogenic. Review status: reviewed by expert panel (3 of 4 stars). 4 submissions from 4 submitters: Pathogenic (1). 3 of the submissions do not count toward it. Last evaluated 2017-12-15.

Conditions:
Hereditary cancer-predisposing syndrome. Also called: Hereditary Cancer Syndrome; Tumor predisposition; Hereditary neoplastic syndrome; Neoplastic Syndromes, Hereditary. Identifiers: Orphanet 140162, MedGen C0027672, MeSH D009386, MONDO:0015356.
Breast-ovarian cancer, familial, susceptibility to, 2 (BROVCA2). Also called: BRCA2 Hereditary Breast and Ovarian Cancer. Identifiers: Orphanet 145, MedGen C2675520, MONDO:0012933, OMIM 612555. Disease mechanism: loss of function.
Hereditary breast ovarian cancer syndrome. Also called: Hereditary breast and ovarian cancer syndrome; Hereditary breast and/or ovarian cancer syndrome; Hereditary breast and ovarian cancer syndrome (HBOC); Hereditary breast and ovarian cancer; Breast and ovarian cancer; BRCA1- and BRCA2-Associated Hereditary Breast and Ovarian Cancer. Identifiers: Orphanet 145, MedGen C0677776, MeSH D061325, MONDO:0003582. Disease mechanism: loss of function.

Allele frequency attached by ClinVar (database versions not stated): gnomAD 0.00001; gnomAD exomes 0.00001; TOPMed 0.00002.

Submissions (4):

Evidence-based Network for the Interpretation of Germline Mutant Alleles (ENIGMA)
Classification: Pathogenic for Breast-ovarian cancer, familial, susceptibility to, 2. Last evaluated: 2017-12-15. Review status: reviewed by expert panel. Criteria: ENIGMA BRCA1/2 Classification Criteria (2017-06-29). Collection method: curation. Allele origin: germline. Study: ENIGMA.
Comment: Variant allele predicted to encode a truncated non-functional protein.

Ambry Genetics
Classification: Pathogenic for Hereditary cancer-predisposing syndrome. Last evaluated: 2026-04-24. Review status: criteria provided, single submitter. Criteria: Ambry Variant Classification Scheme 2023. Collection method: clinical testing. Allele origin: germline. Not counted in ClinVar's aggregate classification.
Comment: The c.4877dupA pathogenic mutation, located in coding exon 10 of the BRCA2 gene, results from a duplication of A at nucleotide position 4877, causing a translational frameshift with a predicted alternate stop codon (p.N1626Kfs*13). This variant is considered to be rare based on population cohorts in the Genome Aggregation Database (gnomAD). This alteration is expected to result in loss of function by premature protein truncation or nonsense-mediated mRNA decay. As such, this alteration is interpreted as a disease-causing mutation.

GeneDx
Classification: Pathogenic. Last evaluated: 2024-11-19. Review status: criteria provided, single submitter. Criteria: GeneDx Variant Classification Process June 2021. Collection method: clinical testing. Allele origin: germline. Affected: yes. Not counted in ClinVar's aggregate classification.
Comment: Frameshift variant predicted to result in protein truncation or nonsense mediated decay in a gene for which loss of function is a known mechanism of disease; Not observed at significant frequency in large population cohorts (gnomAD); Truncating variants in this gene are considered pathogenic by a well-established clinical consortium and/or database; Also known as 5105dupA; This variant is associated with the following publications: (PMID: 34426522, 29483665, 20104584, 33461583)

Labcorp Genetics (formerly Invitae), Labcorp
Classification: Pathogenic for Hereditary breast ovarian cancer syndrome. Last evaluated: 2024-09-22. Review status: criteria provided, single submitter. Criteria: Invitae Variant Classification Sherloc (09022015). Collection method: clinical testing. Allele origin: germline. Not counted in ClinVar's aggregate classification.
Comment: This sequence change creates a premature translational stop signal (p.Asn1626Lysfs*13) in the BRCA2 gene. It is expected to result in an absent or disrupted protein product. Loss-of-function variants in BRCA2 are known to be pathogenic (PMID: 20104584). This variant is not present in population databases (gnomAD no frequency). This variant has not been reported in the literature in individuals affected with BRCA2-related conditions. ClinVar contains an entry for this variant (Variation ID: 409426). For these reasons, this variant has been classified as Pathogenic.

Literature cited by the submitters: PubMed 29483665 (cited by Ambry Genetics); PubMed 20104584 (cited by Labcorp Genetics (formerly Invitae), Labcorp).